The following is an entry in ClinVar:

NM_000318.3(PEX2):c.618del (p.Leu207fs)

Gene: PEX2 (peroxisomal biogenesis factor 2; minus strand). Cytogenetic location: 8q21.13.
Variant type: Deletion.
Coding change: c.618del on transcript NM_000318.3 (MANE Select); coding-DNA position 618, one base deleted (T; older notation c.618delT).
Protein change: p.Leu207fs; shifts the reading frame from leucine 207.
Molecular consequence: frameshift variant.
Genome position (GRCh38, 1-based): chr8:76,983,561, A deleted on the plus strand (T on the coding strand, the reverse complement: PEX2 is on the minus strand); the first of 5 consecutive A bases (chr8:76,983,561-76,983,565); deleting any one gives the same sequence. VCF-style (leftmost placement, unchanged base first): chr8-76983560-GA-G. GRCh37 (hg19) VCF-style: chr8-77895796-GA-G.
Other names: c.618del, p.Leu207fs (NM_001079867.2, NM_001172086.2, NM_001172087.2); short protein forms L207fs.
Identifiers: ClinVar variation 1324883 (VCV001324883.9), dbSNP rs2132043567, ClinGen allele CA2573053054.

ClinVar aggregate classification (germline): Pathogenic/Likely pathogenic. Review status: criteria provided, multiple submitters, no conflicts (2 of 4 stars). 2 submissions from 2 submitters: Pathogenic (1); Likely pathogenic (1). Last evaluated 2021-08-03.

Conditions:
Peroxisome biogenesis disorder 5A (Zellweger) (PBD5A). Identifiers: Orphanet 912, MedGen C3553940, MONDO:0013932, OMIM 614866.

Submissions (2):

Labcorp Genetics (formerly Invitae), Labcorp
Classification: Pathogenic for Peroxisome biogenesis disorder 5A (Zellweger). Last evaluated: 2021-08-03. Review status: criteria provided, single submitter. Criteria: Invitae Variant Classification Sherloc (09022015). Collection method: clinical testing. Allele origin: germline.
Comment: This variant is not present in population databases (ExAC no frequency). For these reasons, this variant has been classified as Pathogenic. This variant disrupts a region of the PEX2 protein in which other variant(s) (p.Lys215Serfs*2) have been determined to be pathogenic (PMID: 10652207; Invitae). This suggests that this is a clinically significant region of the protein, and that variants that disrupt it are likely to be disease-causing. This variant has not been reported in the literature in individuals affected with PEX2-related conditions. This sequence change creates a premature translational stop signal (p.Leu207Serfs*10) in the PEX2 gene. While this is not anticipated to result in nonsense mediated decay, it is expected to disrupt the last 99 amino acid(s) of the PEX2 protein.

Revvity Omics, Revvity
Classification: Likely pathogenic. Last evaluated: 2020-04-03. Review status: criteria provided, single submitter. Criteria: ACMG Guidelines, 2015. Collection method: clinical testing. Allele origin: germline.

Literature cited by the submitters: PubMed 10652207 (cited by Labcorp Genetics (formerly Invitae), Labcorp).